The following is an entry in ClinVar:

NM_004393.6(DAG1):c.1766A>G (p.Asp589Gly)

Gene: DAG1 (dystroglycan 1; plus strand). Cytogenetic location: 3p21.31.
Variant type: single nucleotide variant.
Coding change: c.1766A>G on transcript NM_004393.6 (MANE Select); coding-DNA position 1766, A replaced by G.
Protein change: p.Asp589Gly; replaces aspartic acid 589 with glycine.
Molecular consequence: missense variant.
Genome position (GRCh38, 1-based): chr3:49,532,277, A>G. VCF-style: chr3-49532277-A-G. GRCh37 (hg19) VCF-style: chr3-49569710-A-G.
Other names: c.1766A>G, p.Asp589Gly (NM_001165928.4, NM_001177634.3, NM_001177635.3 and 18 more transcripts); short protein forms D589G.
Identifiers: ClinVar variation 5040543 (VCV005040543.1).
Genomic context (GRCh38, chr3:49,532,277, plus strand): 5'-ACGTGGGCAAACACGAGTATTTCATGCATGCCACAGACAAGGGGGGCCTGTCGGCTGTGG[A>G]TGCCTTCGAGATCCACGTCCACAGGCGCCCCCAAGGGGATAGGGCTCCTGCAAGGTTCAA-3'
Protein context (NP_004384.5, residues 579-599): ATDKGGLSAV[Asp589Gly]AFEIHVHRRP

ClinVar aggregate classification (germline): Uncertain significance (1 of 4 stars; one submission).

Submission:

CeGaT Center for Human Genetics Tuebingen
Classification: Uncertain significance. Last evaluated: 2026-08-01. Review status: criteria provided, single submitter. Criteria: CeGaT Center For Human Genetics Tuebingen Variant Classification Criteria Version 2. Collection method: clinical testing. Allele origin: germline. Affected: yes. Observed: 1 variant allele.
Comment: DAG1: PM2